The following is an entry in ClinVar:

NM_001085411.3(NADK2):c.70C>G (p.Arg24Gly)

Genes: NADK2 (NAD kinase 2, mitochondrial; minus strand), LOC129993801 (ATAC-STARR-seq lymphoblastoid silent region 15972; plus strand). Cytogenetic location: 5p13.2.
Variant type: single nucleotide variant.
Coding change: c.70C>G on transcript NM_001085411.3 (MANE Select); coding-DNA position 70, C replaced by G.
Protein change: p.Arg24Gly; replaces arginine 24 with glycine.
Molecular consequence: missense variant. On other transcripts: intron variant (2).
Genome position (GRCh38, 1-based): chr5:36,241,729, G>C on the plus strand (C>G on the coding strand, the complement: NADK2 is on the minus strand). VCF-style: chr5-36241729-G-C. GRCh37 (hg19) VCF-style: chr5-36241831-G-C.
Other names: c.-190+367C>G (NM_153013.5, NM_001287341.2); short protein forms R24G.
Identifiers: ClinVar variation 4705700 (VCV004705700.1).

ClinVar aggregate classification (germline): Uncertain significance (1 of 4 stars; one submission).

Conditions:
Progressive encephalopathy with leukodystrophy due to DECR deficiency. Identifiers: Orphanet 431361, MedGen C1857252, MONDO:0014464, OMIM 616034.

Submission:

Labcorp Genetics (formerly Invitae), Labcorp
Classification: Uncertain significance for Progressive encephalopathy with leukodystrophy due to DECR deficiency. Last evaluated: 2025-09-15. Review status: criteria provided, single submitter. Criteria: Invitae Variant Classification Sherloc (09022015). Collection method: clinical testing. Allele origin: germline.
Comment: This sequence change replaces arginine, which is basic and polar, with glycine, which is neutral and non-polar, at codon 24 of the NADK2 protein (p.Arg24Gly). This variant is not present in population databases (gnomAD no frequency). This variant has not been reported in the literature in individuals affected with NADK2-related conditions. An algorithm developed to predict the effect of missense changes on protein structure and function (PolyPhen-2) suggests that this variant is likely to be tolerated. In summary, the available evidence is currently insufficient to determine the role of this variant in disease. Therefore, it has been classified as a Variant of Uncertain Significance.